The following is an entry in ClinVar:

ClinVar aggregate classification (germline): Benign/Likely benign. Review status: criteria provided, multiple submitters, no conflicts (2 of 4 stars). 9 submissions from 9 submitters: Benign (1); Likely benign (7). 1 of the submissions does not count toward it. Last evaluated 2026-02-01.

Conditions:
Glycogen storage disease, type II (IOPD). Also called: POMPE DISEASE, INFANTILE-ONSET; GLYCOGEN STORAGE DISEASE II, INFANTILE-ONSET; ACID ALPHA-GLUCOSIDASE DEFICIENCY, INFANTILE-ONSET; GAA DEFICIENCY, INFANTILE-ONSET; ACID MALTASE DEFICIENCY, INFANTILE-ONSET; Glucosidase acid-1,4-alpha deficiency. Identifiers: Orphanet 365, MedGen C0017921, MONDO:0009290, OMIM 232300.

Allele frequency attached by ClinVar (database versions not stated): gnomAD exomes 0.00016 and 0.00042; ExAC 0.00048; 1000 Genomes Project 30x 0.00078; 1000 Genomes Project 0.00080; gnomAD 0.00160 and 0.00178; ESP Exome Variant Server 0.00162; TOPMed 0.00170.

Submissions (9):

Labcorp Genetics (formerly Invitae), Labcorp
Classification: Benign for Glycogen storage disease, type II. Last evaluated: 2026-02-01. Review status: criteria provided, single submitter. Criteria: Invitae Variant Classification Sherloc (09022015). Collection method: clinical testing. Allele origin: germline.

Mayo Clinic Laboratories, Mayo Clinic
Classification: Likely benign. Last evaluated: 2025-04-21. Review status: criteria provided, single submitter. Criteria: ACMG Guidelines, 2015. Collection method: clinical testing. Allele origin: germline. Observed: 5 variant alleles.
Comment: BS1, BP4, BP7

Blueprint Genetics
Classification: Likely benign. Last evaluated: 2024-11-26. Review status: criteria provided, single submitter. Criteria: ACMG Guidelines, 2015. Collection method: clinical testing. Allele origin: germline.

ARUP Laboratories, Molecular Genetics and Genomics, ARUP Laboratories
Classification: Likely benign for Glycogen storage disease, type II. Last evaluated: 2023-09-22. Review status: criteria provided, single submitter. Criteria: ARUP Molecular Germline Variant Investigation Process 2024. Collection method: clinical testing. Allele origin: germline.

GeneDx
Classification: Likely benign. Last evaluated: 2020-12-15. Review status: criteria provided, single submitter. Criteria: GeneDx Variant Classification Process June 2021. Collection method: clinical testing. Allele origin: germline. Affected: yes.

Broad Center for Mendelian Genomics, Broad Institute of MIT and Harvard
Classification: Likely benign for Glycogen storage disease, type II. Last evaluated: 2020-01-22. Review status: criteria provided, single submitter. Criteria: ACMG Guidelines, 2015. Collection method: curation. Allele origin: germline. Inheritance: Autosomal recessive inheritance.
Comment: The c.2332-12A>T variant in GAA has not been previously reported in individuals with Glycogen Storage Disease II but has been reported as a VUS by EGL Genetic Diagnostics and a likely benign variant by GeneDx and PreventionGenetics in ClinVar (Variation ID: 92475). This variant has been identified in 0.573% (142/24770) of African chromosomes by the Genome Aggregation Database (gnomAD; dbSNP rs200965268). This variant has been seen in the general population at a greater frequency than expected for Glycogen Storage Disease II and is consistent with a benign role. Computational prediction tools and conservation analyses suggest that this variant may not impact the protein, though this information is not predictive enough to rule out pathogenicity. However, novel synonymous variants supported by computational evidence without raised suspicion for an impact are likely benign (Richards 2015). In summary, although additional studies are required to fully establish its clinical significance, this variant is likely benign. ACMG/AMP Criteria applied: BS1, BP4, BP7 (Richards 2015).

Women's Health and Genetics/Laboratory Corporation of America, LabCorp
Classification: Likely benign. Last evaluated: 2019-04-11. Review status: criteria provided, single submitter. Criteria: LabCorp Variant Classification Summary - May 2015. Collection method: clinical testing. Allele origin: germline.
Comment: Variant summary: GAA c.2332-12A>T alters a non-conserved nucleotide located close to a canonical splice site and therefore could affect mRNA splicing, leading to a significantly altered protein sequence. 5/5 computational tools predict no significant impact on normal splicing. However, these predictions have yet to be confirmed by functional studies. The variant allele was found at a frequency of 0.00055 in 274190 control chromosomes, predominantly at a frequency of 0.0058 within the African subpopulation in the gnomAD database. The observed variant frequency within African control individuals in the gnomAD database is approximately 1.37 fold of the estimated maximal expected allele frequency for a pathogenic variant in GAA causing Glycogen Storage Disease, Type 2 (Pompe Disease) phenotype (0.0042), strongly suggesting that the variant is a benign polymorphism found primarily in populations of African origin. To our knowledge, no occurrence of c.2332-12A>T in individuals affected with Glycogen Storage Disease, Type 2 (Pompe Disease) and no experimental evidence demonstrating its impact on protein function have been reported. A ClinVar submission from a clinical diagnostic laboratory (evaluation after 2014) cites the variant as likely benign. Based on the evidence outlined above, the variant was classified as likely benign.

PreventionGenetics, part of Exact Sciences
Classification: Likely benign. Review status: criteria provided, single submitter. Criteria: ACMG Guidelines, 2015. Collection method: clinical testing. Allele origin: germline.

Eurofins Ntd Llc (ga)
Classification: Uncertain significance. Last evaluated: 2012-09-10. Review status: flagged submission. Criteria: EGL Classification Definitions 2015. Collection method: clinical testing. Allele origin: germline. Observed: 1 variant allele, 1 heterozygote. Not counted in ClinVar's aggregate classification.
ClinVar note: Reason: Older and outlier claim with insufficient supporting evidence

NM_000152.5(GAA):c.2332-12A>T

Gene: GAA (alpha glucosidase; plus strand). Cytogenetic location: 17q25.3.
Variant type: single nucleotide variant.
Coding change: c.2332-12A>T on transcript NM_000152.5 (MANE Select); 12 bases into the intron before coding-DNA position 2332, A replaced by T.
Molecular consequence: intron variant.
Genome position (GRCh38, 1-based): chr17:80,117,588, A>T. VCF-style: chr17-80117588-A-T. GRCh37 (hg19) VCF-style: chr17-78091387-A-T.
Other names: p.?; c.2332-12A>T (NM_001079803.3, NM_001079804.3, LRG_673t1).
Identifiers: ClinVar variation 92475 (VCV000092475.31), dbSNP rs200965268, ClinGen allele CA220398.
Genomic context (GRCh38, chr17:80,117,588, plus strand): 5'-GAGCGTGGTTCCTGAGGACAGCATGGGGGCCTCGGCACGGCCCAGAATCCTCAAAGCAAC[A>T]TCTCCCTCCAGGTGCCAGTAGAGGCCCTTGGCAGCCTCCCACCCCCACCTGCAGCTCCCC-3'